The following is an entry in ClinVar:

NM_001849.4(COL6A2):c.954G>A (p.Lys318=)

Gene: COL6A2 (collagen type VI alpha 2 chain; plus strand). Cytogenetic location: 21q22.3.
Variant type: single nucleotide variant.
Coding change: c.954G>A on transcript NM_001849.4 (MANE Select); coding-DNA position 954, G replaced by A.
Protein change: p.Lys318=; no amino-acid change (lysine 318 retained).
Molecular consequence: synonymous variant.
Genome position (GRCh38, 1-based): chr21:46,116,677, G>A. VCF-style: chr21-46116677-G-A. GRCh37 (hg19) VCF-style: chr21-47536591-G-A.
Other names: c.954G>A, p.Lys318= (NM_058174.3, NM_058175.3).
Identifiers: ClinVar variation 289076 (VCV000289076.15), dbSNP rs878854362, ClinGen allele CA10606318.

ClinVar aggregate classification (germline): Conflicting classifications of pathogenicity. Review status: criteria provided, conflicting classifications (1 of 4 stars). 3 submissions from 3 submitters: Pathogenic (1); Likely pathogenic (1); Uncertain significance (1). Last evaluated 2021-12-23.

Conditions:
Collagen 6-related myopathy. Identifiers: MedGen CN117976, MONDO:0100225.
Bethlem myopathy 1A. Also called: Bethlem Muscular Dystrophy; MYOPATHY, BENIGN CONGENITAL, WITH CONTRACTURES; Bethlem myopathy 1. Identifiers: Orphanet 610, MedGen CN029274, MONDO:0024530, OMIM 158810.

Submissions (3):

Women's Health and Genetics/Laboratory Corporation of America, LabCorp
Classification: Likely pathogenic for Collagen 6-related myopathy. Last evaluated: 2021-12-23. Review status: criteria provided, single submitter. Criteria: LabCorp Variant Classification Summary - May 2015. Collection method: clinical testing. Allele origin: germline.
Comment: Variant summary: COL6A2 c.954G>A (p.Lys318Lys) alters a conserved nucleotide located close to a canonical splice site and therefore could affect mRNA splicing, leading to a significantly altered protein sequence. Several computational tools predict a significant impact on normal splicing: Four predict the variant weakens the canonical 5' splice donor site. At-least one study reporting a quantification of chain-specific transcript levels by quantitative reverse transcriptase polymerase chain reaction (qRT-PCR), and mutation identification by sequencing of complementary DNA reported this variant as having a translational impact corresponding to the skipping of COL6A2 exon 9, namely p.Gly310_Lys318del (Brinas_2010). However, primary data supporting this outcome was not presented. The variant was absent in 250408 control chromosomes. c.954G>A has been reported in the literature as a de-novo heterozygous variant in at-least one comprehensively analyzed individual affected with a moderately progressive Collagen Type VI-Related Disorder (example, Brinas_2010). A different variant that alters the same nucleotide, namely c.954G>T has been listed in the HGMD database with a reported phenotype of Collagen VI-deficiency, supporting the relevance of this critical nucleotide. To our knowledge, no variant specific experimental evidence demonstrating an impact on protein function has been reported. Two clinical diagnostic laboratories have submitted clinical-significance assessments for this variant to ClinVar after 2014 without evidence for independent evaluation. One laboratory classified the variant as pathogenic citing an overlapping evidence utilized in the context of this evaluation and one laboratory classified the variant as uncertain significance. Based on the evidence outlined above, the variant was classified as likely pathogenic.

Labcorp Genetics (formerly Invitae), Labcorp
Classification: Pathogenic for Bethlem myopathy 1A. Last evaluated: 2019-10-18. Review status: criteria provided, single submitter. Criteria: Invitae Variant Classification Sherloc (09022015). Collection method: clinical testing. Allele origin: germline.
Comment: This sequence change affects codon 318 of the COL6A2 mRNA. It is a 'silent' change, meaning that it does not change the encoded amino acid sequence of the COL6A2 protein. This variant also falls at the last nucleotide of exon 9 of the COL6A2 coding sequence, which is part of the consensus splice site for this exon. This variant is not present in population databases (ExAC no frequency). This variant has been observed in individual(s) with collagen VI myopathy (PMID: 20976770). In at least one individual the variant was observed to be de novo. ClinVar contains an entry for this variant (Variation ID: 289076). Nucleotide substitutions within the consensus splice site are a relatively common cause of aberrant splicing (PMID: 17576681, 9536098). Algorithms developed to predict the effect of sequence changes on RNA splicing suggest that this variant may disrupt the consensus splice site, but this prediction has not been confirmed by published transcriptional studies. This variant disrupts the c.954G nucleotide in the COL6A2 gene. Other variant(s) that disrupt this nucleotide have been determined to be pathogenic (PMID: 18160674, 27159402). This suggests that this nucleotide is clinically-significant, and that variants that disrupt this position are likely to be disease-causing. For these reasons, this variant has been classified as Pathogenic.

Eurofins Ntd Llc (ga)
Classification: Uncertain significance. Last evaluated: 2016-07-13. Review status: criteria provided, single submitter. Criteria: EGL Classification Definitions 2015. Collection method: clinical testing. Allele origin: germline. Observed: 2 variant alleles, 2 heterozygotes.

Literature cited by the submitters: PubMed 20976770 (cited by Women's Health and Genetics/Laboratory Corporation of America, LabCorp and Labcorp Genetics (formerly Invitae), Labcorp); PubMed 17576681 (cited by Labcorp Genetics (formerly Invitae), Labcorp); PubMed 9536098 (cited by Labcorp Genetics (formerly Invitae), Labcorp); PubMed 18160674 (cited by Labcorp Genetics (formerly Invitae), Labcorp); PubMed 27159402 (cited by Labcorp Genetics (formerly Invitae), Labcorp).